The following is an entry in ClinVar:

NM_001388459.1(FRMPD3):c.2289T>A (p.Thr763=)

Gene: FRMPD3 (FERM and PDZ domain containing 3; plus strand). Cytogenetic location: Xq22.3.
Variant type: single nucleotide variant.
Coding change: c.2289T>A on transcript NM_001388459.1 (MANE Select); coding-DNA position 2289, T replaced by A.
Protein change: p.Thr763=; no amino-acid change (threonine 763 retained).
Molecular consequence: synonymous variant.
Genome position (GRCh38, 1-based): chrX:107,600,328, T>A. VCF-style: chrX-107600328-T-A. GRCh37 (hg19) VCF-style: chrX-106843558-T-A.
Other names: c.1884T>A, p.Thr628= (NM_001388462.1); c.2388T>A, p.Thr796= (NM_032428.2).
Identifiers: ClinVar variation 4534663 (VCV004534663.6).
Genomic context (GRCh38, chrX:107,600,328, plus strand): 5'-AGTAAGCATAACAAGCCCTATCCCTGTTCCTCCAGGTCTGATTGTGCTGGCCACAATCAC[T>A]CCTGAATCATCGCTGGACTCAGGTCATGAAACCAACTCTTCAGAGCTCACAGACATGTCA-3'
Protein context (NP_001375388.1, residues 753-773): TAGLIVLATI[Thr763=]PESSLDSGHE

ClinVar aggregate classification (germline): Likely benign (1 of 4 stars; one submission).

Submission:

CeGaT Center for Human Genetics Tuebingen
Classification: Likely benign. Last evaluated: 2025-10-01. Review status: criteria provided, single submitter. Criteria: CeGaT Center For Human Genetics Tuebingen Variant Classification Criteria Version 2. Collection method: clinical testing. Allele origin: germline. Affected: yes. Observed: 1 variant allele.
Comment: FRMPD3: PM2:Supporting, BP4, BP7